The following is an entry in ClinVar:

ClinVar aggregate classification (germline): Pathogenic. Review status: criteria provided, multiple submitters, no conflicts (2 of 4 stars). 2 submissions from 2 submitters: Pathogenic (2). Last evaluated 2025-05-16.

Conditions:
Hereditary cancer-predisposing syndrome. Also called: Tumor predisposition; Neoplastic Syndromes, Hereditary; Hereditary neoplastic syndrome; Hereditary Cancer Syndrome. Identifiers: Orphanet 140162, MedGen C0027672, MeSH D009386, MONDO:0015356.
Birt-Hogg-Dube syndrome. Also called: Birt Hogg Dubé syndrome. Identifiers: Orphanet 122, MedGen C0346010, MONDO:0800444.

Allele frequency attached by ClinVar (database versions not stated): gnomAD 0.00001.

Submissions (2):

Ambry Genetics
Classification: Pathogenic for Hereditary cancer-predisposing syndrome. Last evaluated: 2025-05-16. Review status: criteria provided, single submitter. Criteria: Ambry Variant Classification Scheme 2023. Collection method: clinical testing. Allele origin: germline.
Comment: The p.Q123* pathogenic mutation (also known as c.367C>T), located in coding exon 2 of the FLCN gene, results from a C to T substitution at nucleotide position 367. This changes the amino acid from a glutamine to a stop codon within coding exon 2. This variant was reported in individual(s) with features consistent with Birt-Hogg-Dube syndrome (Ambry internal data). This variant is considered to be rare based on population cohorts in the Genome Aggregation Database (gnomAD). This alteration is expected to result in loss of function by premature protein truncation or nonsense-mediated mRNA decay. As such, this alteration is interpreted as a disease-causing mutation.

Labcorp Genetics (formerly Invitae), Labcorp
Classification: Pathogenic for Birt-Hogg-Dube syndrome. Last evaluated: 2024-04-22. Review status: criteria provided, single submitter. Criteria: Invitae Variant Classification Sherloc (09022015). Collection method: clinical testing. Allele origin: germline.
Comment: This sequence change creates a premature translational stop signal (p.Gln123*) in the FLCN gene. It is expected to result in an absent or disrupted protein product. Loss-of-function variants in FLCN are known to be pathogenic (PMID: 15852235). This variant is not present in population databases (gnomAD no frequency). This variant has not been reported in the literature in individuals affected with FLCN-related conditions. ClinVar contains an entry for this variant (Variation ID: 1068651). For these reasons, this variant has been classified as Pathogenic.

Literature cited by the submitters: PubMed 15852235 (cited by Labcorp Genetics (formerly Invitae), Labcorp).

NM_144997.7(FLCN):c.367C>T (p.Gln123Ter)

Gene: FLCN (folliculin; minus strand). Cytogenetic location: 17p11.2.
Variant type: single nucleotide variant.
Coding change: c.367C>T on transcript NM_144997.7 (MANE Select); coding-DNA position 367, C replaced by T.
Protein change: p.Gln123Ter; replaces glutamine 123 with a stop codon.
Molecular consequence: nonsense.
Genome position (GRCh38, 1-based): chr17:17,226,205, G>A on the plus strand (C>T on the coding strand, the complement: FLCN is on the minus strand). VCF-style: chr17-17226205-G-A. GRCh37 (hg19) VCF-style: chr17-17129519-G-A.
Other names: c.367C>T (NM_144997.5); c.367C>T, p.Gln123Ter (NM_001353229.2, NM_001353230.2, NM_001353231.2 and 1 more transcripts); short protein forms Q123*.
Identifiers: ClinVar variation 1068651 (VCV001068651.6), dbSNP rs2047242821, ClinGen allele CA398534737.